The following is an entry in ClinVar:

NM_001370658.1(BTD):c.249+3A>G

Gene: BTD (biotinidase; plus strand). Cytogenetic location: 3p25.1.
Variant type: single nucleotide variant.
Coding change: c.249+3A>G on transcript NM_001370658.1 (MANE Select); 3 bases into the intron after coding-DNA position 249, A replaced by G.
Molecular consequence: intron variant.
Genome position (GRCh38, 1-based): chr3:15,635,691, A>G. VCF-style: chr3-15635691-A-G. GRCh37 (hg19) VCF-style: chr3-15677198-A-G.
Other names: c.249+3A>G (NM_001407398.1, NM_001407370.1, NM_001407371.1 and 37 more transcripts).
Identifiers: ClinVar variation 3778720 (VCV003778720.1).

ClinVar aggregate classification (germline): Uncertain significance (1 of 4 stars; one submission).

Conditions:
Biotinidase deficiency. Also called: BTD deficiency; Late-onset biotin-responsive multiple carboxylase deficiency; Biotin deficiency. Identifiers: Orphanet 79241, MedGen C0220754, MONDO:0009665, OMIM 253260.

Submission:

Institute of Human Genetics, University of Leipzig Medical Center
Classification: Uncertain significance for Biotinidase deficiency. Last evaluated: 2025-03-12. Review status: criteria provided, single submitter. Criteria: ACMG Guidelines, 2015. Collection method: clinical testing. Allele origin: unknown. Inheritance: Autosomal recessive inheritance. Affected: yes.
Comment: Criteria applied: PM2,PP3